The following is an entry in ClinVar:

ClinVar aggregate classification (germline): Uncertain significance. Review status: criteria provided, multiple submitters, no conflicts (2 of 4 stars). 2 submissions from 2 submitters: Uncertain significance (2). Last evaluated 2025-11-04.

Submissions (2):

Dasa
Classification: Uncertain significance. Last evaluated: 2025-11-04. Review status: criteria provided, single submitter. Criteria: DASA Assertion Criteria. Collection method: clinical testing. Allele origin: germline.
Comment: NM_006237.4(POU4F1):c.632C>A (p.Pro211Gln) is a missense variant that results in the substitution of proline with glutamine. This variant is rare in population databases. The currently available literature and clinical evidence are not sufficient to establish a definitive association between this variant and the reported condition. Therefore, this variant is classified as a variant of uncertain significance.

Ambry Genetics
Classification: Uncertain significance. Last evaluated: 2024-10-21. Review status: criteria provided, single submitter. Criteria: Ambry Variant Classification Scheme 2023. Collection method: clinical testing. Allele origin: germline.

NM_006237.4(POU4F1):c.632C>A (p.Pro211Gln)

Genes: OBI1-AS1 (OBI1 antisense RNA 1; plus strand), POU4F1 (POU class 4 homeobox 1; minus strand). Cytogenetic location: 13q31.1.
Variant type: single nucleotide variant.
Coding change: c.632C>A on transcript NM_006237.4 (MANE Select); coding-DNA position 632, C replaced by A.
Protein change: p.Pro211Gln; replaces proline 211 with glutamine.
Molecular consequence: missense variant.
Genome position (GRCh38, 1-based): chr13:78,602,043, G>T on the plus strand (C>A on the coding strand, the complement: POU4F1 is on the minus strand). VCF-style: chr13-78602043-G-T. GRCh37 (hg19) VCF-style: chr13-79176178-G-T.
Other names: short protein forms P211Q.
Identifiers: ClinVar variation 3423247 (VCV003423247.3).